The following is an entry in ClinVar:

ClinVar aggregate classification (germline): Uncertain significance (1 of 4 stars; one submission).

Allele frequency attached by ClinVar (database versions not stated): gnomAD 0.00003 and 0.00004; TOPMed 0.00003.
gnomAD v4.1: 38 of 1,614,040 alleles (0.0024%); highest among the groups gnomAD compares: Non-Finnish European, 0.003%; no homozygotes.

Submission:

Labcorp Genetics (formerly Invitae), Labcorp
Classification: Uncertain significance. Last evaluated: 2022-07-25. Review status: criteria provided, single submitter. Criteria: Invitae Variant Classification Sherloc (09022015). Collection method: clinical testing. Allele origin: germline.
Comment: This sequence change replaces glutamic acid, which is acidic and polar, with aspartic acid, which is acidic and polar, at codon 607 of the SLC26A3 protein (p.Glu607Asp). This variant is present in population databases (rs781024851, gnomAD 0.0008%). This variant has not been reported in the literature in individuals affected with SLC26A3-related conditions. ClinVar contains an entry for this variant (Variation ID: 1497830). Advanced modeling of protein sequence and biophysical properties (such as structural, functional, and spatial information, amino acid conservation, physicochemical variation, residue mobility, and thermodynamic stability) performed at Invitae indicates that this missense variant is not expected to disrupt SLC26A3 protein function. In summary, the available evidence is currently insufficient to determine the role of this variant in disease. Therefore, it has been classified as a Variant of Uncertain Significance.

NM_000111.3(SLC26A3):c.1821G>C (p.Glu607Asp)

Gene: SLC26A3 (solute carrier family 26 member 3; minus strand). Cytogenetic location: 7q22.3.
Variant type: single nucleotide variant.
Coding change: c.1821G>C on transcript NM_000111.3 (MANE Select); coding-DNA position 1821, G replaced by C.
Protein change: p.Glu607Asp; replaces glutamic acid 607 with aspartic acid.
Molecular consequence: missense variant.
Genome position (GRCh38, 1-based): chr7:107,774,106, C>G on the plus strand (G>C on the coding strand, the complement: SLC26A3 is on the minus strand). VCF-style: chr7-107774106-C-G. GRCh37 (hg19) VCF-style: chr7-107414551-C-G.
Other names: short protein forms E607D.
Identifiers: ClinVar variation 1497830 (VCV001497830.5), dbSNP rs781024851, ClinGen allele CA164232872.